The following is an entry in ClinVar:

NM_001287.6(CLCN7):c.1807G>A (p.Asp603Asn)

Gene: CLCN7 (chloride voltage-gated channel 7; minus strand). Cytogenetic location: 16p13.3.
Variant type: single nucleotide variant.
Coding change: c.1807G>A on transcript NM_001287.6 (MANE Select); coding-DNA position 1807, G replaced by A.
Protein change: p.Asp603Asn; replaces aspartic acid 603 with asparagine.
Molecular consequence: missense variant.
Genome position (GRCh38, 1-based): chr16:1,448,757, C>T on the plus strand (G>A on the coding strand, the complement: CLCN7 is on the minus strand). VCF-style: chr16-1448757-C-T. GRCh37 (hg19) VCF-style: chr16-1498758-C-T.
Other names: c.1735G>A, p.Asp579Asn (NM_001114331.3); short protein forms D579N, D603N.
Identifiers: ClinVar variation 2173073 (VCV002173073.3), dbSNP rs200917404, ClinGen allele CA7810044.
Genomic context (GRCh38, chr16:1,448,757, plus strand): 5'-GTGAGGTGACCGGGGCCTCCCAGTGCAGGAAGGGCACACTCTGCAGCTGAATGTGCATGT[C>T]GTACAGGCCCTGCGGGCGGGGCGGGAACACAGGGCTTGAGGAGTCCACACCCACCCCTGG-3'
Protein context (NP_001278.1, residues 593-613): VGDVFIEGLY[Asp603Asn]MHIQLQSVPF

ClinVar aggregate classification (germline): Uncertain significance (1 of 4 stars; one submission).

Allele frequency attached by ClinVar (database versions not stated): ExAC 0.00003; gnomAD 0.00004; TOPMed 0.00005; ESP Exome Variant Server 0.00008; 1000 Genomes Project 30x 0.00016; 1000 Genomes Project 0.00020.
gnomAD v4.1: 21 of 1,612,168 alleles (0.0013%); highest among the groups gnomAD compares: African/African-American, 0.0053%; no homozygotes.

Submission:

Labcorp Genetics (formerly Invitae), Labcorp
Classification: Uncertain significance. Last evaluated: 2025-10-09. Review status: criteria provided, single submitter. Criteria: Invitae Variant Classification Sherloc (09022015). Collection method: clinical testing. Allele origin: germline.
Comment: This sequence change replaces aspartic acid, which is acidic and polar, with asparagine, which is neutral and polar, at codon 603 of the CLCN7 protein (p.Asp603Asn). This variant is present in population databases (rs200917404, gnomAD 0.008%). This variant has not been reported in the literature in individuals affected with CLCN7-related conditions. ClinVar contains an entry for this variant (Variation ID: 2173073). An algorithm developed to predict the effect of missense changes on protein structure and function (PolyPhen-2) suggests that this variant is likely to be disruptive. In summary, the available evidence is currently insufficient to determine the role of this variant in disease. Therefore, it has been classified as a Variant of Uncertain Significance.